The following is an entry in ClinVar:

NM_001036.6(RYR3):c.2860C>T (p.Pro954Ser)

Gene: RYR3 (ryanodine receptor 3; plus strand). Cytogenetic location: 15q14.
Variant type: single nucleotide variant.
Coding change: c.2860C>T on transcript NM_001036.6 (MANE Select); coding-DNA position 2860, C replaced by T.
Protein change: p.Pro954Ser; replaces proline 954 with serine.
Molecular consequence: missense variant.
Genome position (GRCh38, 1-based): chr15:33,631,286, C>T. VCF-style: chr15-33631286-C-T. GRCh37 (hg19) VCF-style: chr15-33923487-C-T.
Other names: c.2860C>T, p.Pro954Ser (NM_001243996.4); short protein forms P954S.
Identifiers: ClinVar variation 461899 (VCV000461899.10), dbSNP rs746207106, ClinGen allele CA7458552.

ClinVar aggregate classification (germline): Uncertain significance (1 of 4 stars; one submission).

Conditions:
Epileptic encephalopathy. Identifiers: MedGen C0543888, HP:0200134.

Allele frequency attached by ClinVar (database versions not stated): gnomAD exomes 0.00001; TOPMed 0.00002; ExAC 0.00003.
gnomAD v4.1: 12 of 1,577,050 alleles (0.00076%); highest among the groups gnomAD compares: Admixed American, 0.0073%; no homozygotes.

Submission:

Labcorp Genetics (formerly Invitae), Labcorp
Classification: Uncertain significance for Epileptic encephalopathy. Last evaluated: 2022-01-06. Review status: criteria provided, single submitter. Criteria: Invitae Variant Classification Sherloc (09022015). Collection method: clinical testing. Allele origin: germline.
Comment: Algorithms developed to predict the effect of missense changes on protein structure and function output the following: SIFT: "Deleterious"; PolyPhen-2: "Benign"; Align-GVGD: "Class C65". The serine amino acid residue is found in multiple mammalian species, which suggests that this missense change does not adversely affect protein function. ClinVar contains an entry for this variant (Variation ID: 461899). This variant has not been reported in the literature in individuals affected with RYR3-related conditions. The frequency data for this variant in the population databases is considered unreliable, as metrics indicate poor data quality at this position in the gnomAD database. This sequence change replaces proline, which is neutral and non-polar, with serine, which is neutral and polar, at codon 954 of the RYR3 protein (p.Pro954Ser). In summary, the available evidence is currently insufficient to determine the role of this variant in disease. Therefore, it has been classified as a Variant of Uncertain Significance.